The following is an entry in ClinVar:

NM_001079866.2(BCS1L):c.-14G>A

Gene: BCS1L (BCS1 ubiquinol-cytochrome c reductase complex chaperone; plus strand). Cytogenetic location: 2q35.
Variant type: single nucleotide variant.
Coding change: c.-14G>A on transcript NM_001079866.2 (MANE Select); 14 bases upstream of the start codon, G replaced by A.
Molecular consequence: 5 prime UTR variant. On other transcripts: non-coding transcript variant (1), intron variant (3).
Genome position (GRCh38, 1-based): chr2:218,660,974, G>A. VCF-style: chr2-218660974-G-A. GRCh37 (hg19) VCF-style: chr2-219525697-G-A.
Other names: c.-14G>A (NM_001257342.2, NM_001257343.2, NM_001257344.2 and 10 more transcripts); c.-490G>A (NM_001371453.1, NM_001371454.1, NM_001371455.1 and 2 more transcripts); c.-41+226G>A (NM_001371451.1); c.-40-432G>A (NM_001318836.2); c.-41-785G>A (NM_001371452.1).
Identifiers: ClinVar variation 334355 (VCV000334355.5), dbSNP rs367721351, ClinGen allele CA2109591.

ClinVar aggregate classification (germline): Conflicting classifications of pathogenicity. Review status: criteria provided, conflicting classifications (1 of 4 stars). 4 submissions from 2 submitters: Uncertain significance (3); Likely benign (1). Last evaluated 2018-01-12.

Conditions:
GRACILE syndrome (FLNMS). Also called: FELLMAN SYNDROME; FINNISH LETHAL NEONATAL METABOLIC SYNDROME. Identifiers: Orphanet 53693, MedGen C1864002, MONDO:0011308, OMIM 603358.
Leigh syndrome (NULS). Also called: Leigh Disease; Subacute necrotizing encephalopathy; Necrotizing encephalopathy infantile subacute of Leigh; Leigh's necrotizing encephalopathy; Leigh's disease; Leigh's syndrome. Identifiers: Orphanet 506, MedGen C2931891, MONDO:0009723, OMIM 256000.
Mitochondrial complex III deficiency nuclear type 1. Identifiers: Orphanet 254902, MedGen C3541471, MONDO:0007415, OMIM 124000.

Allele frequency attached by ClinVar (database versions not stated): gnomAD exomes 0.00009 and 0.00024; 1000 Genomes Project 30x 0.00016; 1000 Genomes Project 0.00020; ExAC 0.00026; gnomAD 0.00094 and 0.00103; TOPMed 0.00119; ESP Exome Variant Server 0.00162.

Submissions (4):

Illumina Laboratory Services, Illumina
Classification: Uncertain significance for Leigh syndrome. Last evaluated: 2018-01-12. Review status: criteria provided, single submitter. Criteria: ICSL Variant Classification Criteria 13 December 2019. Collection method: clinical testing. Allele origin: germline.

Illumina Laboratory Services, Illumina
Classification: Uncertain significance for Mitochondrial complex III deficiency nuclear type 1. Last evaluated: 2018-01-12. Review status: criteria provided, single submitter. Criteria: ICSL Variant Classification Criteria 13 December 2019. Collection method: clinical testing. Allele origin: germline.

Illumina Laboratory Services, Illumina
Classification: Uncertain significance for GRACILE syndrome. Last evaluated: 2018-01-12. Review status: criteria provided, single submitter. Criteria: ICSL Variant Classification Criteria 13 December 2019. Collection method: clinical testing. Allele origin: germline.

GeneDx
Classification: Likely benign. Last evaluated: 2017-12-26. Review status: criteria provided, single submitter. Criteria: GeneDx Variant Classification (06012015). Collection method: clinical testing. Allele origin: germline. Affected: yes.
Comment: This variant is considered likely benign or benign based on one or more of the following criteria: it is a conservative change, it occurs at a poorly conserved position in the protein, it is predicted to be benign by multiple in silico algorithms, and/or has population frequency not consistent with disease.